The following is an entry in ClinVar:

NM_001278293.3(ARL6):c.438G>A (p.Leu146=)

Gene: ARL6 (ARF like GTPase 6; plus strand). Cytogenetic location: 3q11.2.
Variant type: single nucleotide variant.
Coding change: c.438G>A on transcript NM_001278293.3 (MANE Select); coding-DNA position 438, G replaced by A.
Protein change: p.Leu146=; no amino-acid change (leucine 146 retained).
Molecular consequence: synonymous variant. On other transcripts: non-coding transcript variant (7).
Genome position (GRCh38, 1-based): chr3:97,788,078, G>A. VCF-style: chr3-97788078-G-A. GRCh37 (hg19) VCF-style: chr3-97506922-G-A.
Other names: c.438G>A, p.Leu146= (NM_001323513.2, NM_001323514.2, NM_032146.5 and 1 more transcripts).
Identifiers: ClinVar variation 2930054 (VCV002930054.4), dbSNP rs7637694, ClinGen allele CA2505956.
Genomic context (GRCh38, chr3:97,788,078, plus strand): 5'-ATTCTTTGCAAATAAAATGGATCTTAGAGATGCAGTGACATCTGTAAAAGTGTCTCAGTT[G>A]CTGTGTTTAGAGAACATCAAAGATAAACCCTGGCATATTTGGTAAAGTTTTATATTTACT-3'
Protein context (NP_001265222.1, residues 136-156): DAVTSVKVSQ[Leu146=]LCLENIKDKP

ClinVar aggregate classification (germline): Likely benign. Review status: criteria provided, single submitter (1 of 4 stars). 2 submissions from 2 submitters: Likely benign (1). 1 of the submissions does not count toward it. Last evaluated 2024-05-02.

Conditions:
Retinitis pigmentosa 55 (RP55). Identifiers: Orphanet 791, MedGen C3150808, MONDO:0013312, OMIM 613575.
Bardet-Biedl syndrome 3 (BBS3). Identifiers: Orphanet 110, MedGen C1859564, MONDO:0010832, OMIM 600151.
ARL6-related disorder. Also called: ARL6-related condition.

Allele frequency attached by ClinVar (database versions not stated): TOPMed 0.00003; ExAC 0.00004; gnomAD 0.00005; gnomAD exomes 0.00005; ESP Exome Variant Server 0.00015.
gnomAD v4.1: 84 of 1,613,172 alleles (0.0052%); highest among the groups gnomAD compares: Non-Finnish European, 0.0066%; no homozygotes.

Submissions (2):

Labcorp Genetics (formerly Invitae), Labcorp
Classification: Likely benign for Retinitis pigmentosa 55; Bardet-Biedl syndrome 3. Last evaluated: 2024-05-02. Review status: criteria provided, single submitter. Criteria: Invitae Variant Classification Sherloc (09022015). Collection method: clinical testing. Allele origin: germline.

PreventionGenetics, part of Exact Sciences
Classification: Likely benign for ARL6-related condition. Last evaluated: 2020-08-21. Review status: no assertion criteria provided. Collection method: clinical testing. Allele origin: germline. Not counted in ClinVar's aggregate classification.
Comment: This variant is classified as likely benign based on ACMG/AMP sequence variant interpretation guidelines (Richards et al. 2015 PMID: 25741868, with internal and published modifications).